The following is an entry in ClinVar:

ClinVar aggregate classification (germline): Uncertain significance. Review status: criteria provided, multiple submitters, no conflicts (2 of 4 stars). 2 submissions from 2 submitters: Uncertain significance (2). Last evaluated 2023-03-15.

Submissions (2):

GeneDx
Classification: Uncertain significance. Last evaluated: 2023-03-15. Review status: criteria provided, single submitter. Criteria: GeneDx Variant Classification Process June 2021. Collection method: clinical testing. Allele origin: germline. Affected: yes.
Comment: Not observed at significant frequency in large population cohorts (gnomAD); In silico analysis supports that this missense variant has a deleterious effect on protein structure/function; Has not been previously published as pathogenic or benign to our knowledge

Revvity Omics, Revvity
Classification: Uncertain significance. Last evaluated: 2019-08-09. Review status: criteria provided, single submitter. Criteria: ACMG Guidelines, 2015. Collection method: clinical testing. Allele origin: germline.

NM_001458.5(FLNC):c.4354G>A (p.Gly1452Arg)

Gene: FLNC (filamin C; plus strand). Cytogenetic location: 7q32.1.
Variant type: single nucleotide variant.
Coding change: c.4354G>A on transcript NM_001458.5 (MANE Select); coding-DNA position 4354, G replaced by A.
Protein change: p.Gly1452Arg; replaces glycine 1452 with arginine.
Molecular consequence: missense variant.
Genome position (GRCh38, 1-based): chr7:128,847,762, G>A. VCF-style: chr7-128847762-G-A. GRCh37 (hg19) VCF-style: chr7-128487816-G-A.
Other names: c.4354G>A, p.Gly1452Arg (NM_001127487.2); short protein forms G1452R.
Identifiers: ClinVar variation 2441513 (VCV002441513.4), dbSNP rs2536645838, ClinGen allele CA369201317.